The following is an entry in ClinVar:

ClinVar aggregate classification (germline): Uncertain significance (1 of 4 stars; one submission).

Submission:

Labcorp Genetics (formerly Invitae), Labcorp
Classification: Uncertain significance. Last evaluated: 2024-08-21. Review status: criteria provided, single submitter. Criteria: Invitae Variant Classification Sherloc (09022015). Collection method: clinical testing. Allele origin: germline.
Comment: This sequence change replaces alanine, which is neutral and non-polar, with valine, which is neutral and non-polar, at codon 501 of the LZTR1 protein (p.Ala501Val). This variant is not present in population databases (gnomAD no frequency). This variant has not been reported in the literature in individuals affected with LZTR1-related conditions. Invitae Evidence Modeling of protein sequence and biophysical properties (such as structural, functional, and spatial information, amino acid conservation, physicochemical variation, residue mobility, and thermodynamic stability) indicates that this missense variant is not expected to disrupt LZTR1 protein function with a negative predictive value of 80%. In summary, the available evidence is currently insufficient to determine the role of this variant in disease. Therefore, it has been classified as a Variant of Uncertain Significance.

NM_006767.4(LZTR1):c.1502C>T (p.Ala501Val)

Gene: LZTR1 (leucine zipper like post translational regulator 1; plus strand). Cytogenetic location: 22q11.21.
Variant type: single nucleotide variant.
Coding change: c.1502C>T on transcript NM_006767.4 (MANE Select); coding-DNA position 1502, C replaced by T.
Protein change: p.Ala501Val; replaces alanine 501 with valine.
Molecular consequence: missense variant.
Genome position (GRCh38, 1-based): chr22:20,994,156, C>T. VCF-style: chr22-20994156-C-T. GRCh37 (hg19) VCF-style: chr22-21348445-C-T.
Other names: short protein forms A501V.
Identifiers: ClinVar variation 3691092 (VCV003691092.2).
Genomic context (GRCh38, chr22:20,994,156, plus strand): 5'-CCCCACAGAAGCTGGAGCAGGAGGCCGCCCCAGTTCCCAGGGAGGCCCCCGGCGTGGCTG[C>T]TGGTGGGGCCCGGCCGCCCCTGCTGCACGTGGCCATCCGGGAGGCCGAGGCCCGGCCCTT-3'
Protein context (NP_006758.2, residues 491-511): PVPREAPGVA[Ala501Val]GGARPPLLHV